The following is an entry in ClinVar:

ClinVar aggregate classification (germline): Uncertain significance (1 of 4 stars; one submission).

Allele frequency attached by ClinVar (database versions not stated): TOPMed below 0.00001; gnomAD 0.00001.
gnomAD v4.1: 4 of 1,594,190 alleles (0.00025%); highest among the groups gnomAD compares: Admixed American, 0.0017%; no homozygotes.

Submission:

Labcorp Genetics (formerly Invitae), Labcorp
Classification: Uncertain significance. Last evaluated: 2023-09-06. Review status: criteria provided, single submitter. Criteria: Invitae Variant Classification Sherloc (09022015). Collection method: clinical testing. Allele origin: germline.
Comment: This sequence change falls in intron 3 of the ISCA2 gene. It does not directly change the encoded amino acid sequence of the ISCA2 protein. This variant is present in population databases (no rsID available, gnomAD 0.003%). This variant has not been reported in the literature in individuals affected with ISCA2-related conditions. Algorithms developed to predict the effect of sequence changes on RNA splicing suggest that this variant may disrupt the consensus splice site. In summary, the available evidence is currently insufficient to determine the role of this variant in disease. Therefore, it has been classified as a Variant of Uncertain Significance.

NM_194279.4(ISCA2):c.290+13G>A

Gene: ISCA2 (iron-sulfur cluster assembly 2; plus strand). Cytogenetic location: 14q24.3.
Variant type: single nucleotide variant.
Coding change: c.290+13G>A on transcript NM_194279.4 (MANE Select); 13 bases into the intron after coding-DNA position 290, G replaced by A.
Molecular consequence: intron variant.
Genome position (GRCh38, 1-based): chr14:74,494,403, G>A. VCF-style: chr14-74494403-G-A. GRCh37 (hg19) VCF-style: chr14-74961106-G-A.
Other names: c.174+251G>A (NM_001272007.2).
Identifiers: ClinVar variation 2980890 (VCV002980890.1), dbSNP rs1361428748, ClinGen allele CA615193040.
Genomic context (GRCh38, chr14:74,494,403, plus strand): 5'-ATTCCAATACAAATTTTCACTGGATACAGTTATCAACCCCGACGACAGGCAAGGAGGAAG[G>A]GGTGGGCCCCCAAAGGAGGTACAGGAGGGACAAAAGTGTCTCCAGTTTAAGGTGCACTTT-3'